The following is an entry in ClinVar:

ClinVar aggregate classification (germline): Uncertain significance. Review status: criteria provided, multiple submitters, no conflicts (2 of 4 stars). 4 submissions from 4 submitters: Uncertain significance (4). Last evaluated 2024-10-08.

Conditions:
Dihydropyrimidine dehydrogenase deficiency (DPYDD). Also called: Hereditary Thymine-Uraciluria; DPD DEFICIENCY; DPYD DEFICIENCY. Identifiers: Orphanet 1675, MedGen C1959620, MONDO:0010130, OMIM 274270.

Allele frequency attached by ClinVar (database versions not stated): ExAC 0.00007; gnomAD 0.00008 and 0.00009; gnomAD exomes 0.00010; ESP Exome Variant Server 0.00015; TOPMed 0.00015.

Submissions (4):

Blueprint Genetics
Classification: Uncertain significance. Last evaluated: 2024-10-08. Review status: criteria provided, single submitter. Criteria: ACMG Guidelines, 2015. Collection method: clinical testing. Allele origin: germline.

Genome-Nilou Lab
Classification: Uncertain significance for Dihydropyrimidine dehydrogenase deficiency. Last evaluated: 2023-04-11. Review status: criteria provided, single submitter. Criteria: ACMG Guidelines, 2015. Collection method: clinical testing. Allele origin: germline. Affected: no.

GeneDx
Classification: Uncertain significance. Last evaluated: 2021-10-07. Review status: criteria provided, single submitter. Criteria: GeneDx Variant Classification Process June 2021. Collection method: clinical testing. Allele origin: germline. Affected: yes.
Comment: Has not been previously published as pathogenic or benign to our knowledge; In silico analysis supports that this missense variant does not alter protein structure/function

Fulgent Genetics
Classification: Uncertain significance for Dihydropyrimidine dehydrogenase deficiency. Last evaluated: 2021-08-09. Review status: criteria provided, single submitter. Criteria: ACMG Guidelines, 2015. Collection method: clinical testing. Allele origin: unknown.

NM_000110.4(DPYD):c.345G>C (p.Met115Ile)

Gene: DPYD (dihydropyrimidine dehydrogenase; minus strand). Cytogenetic location: 1p21.3.
Variant type: single nucleotide variant.
Coding change: c.345G>C on transcript NM_000110.4 (MANE Select); coding-DNA position 345, G replaced by C.
Protein change: p.Met115Ile; replaces methionine 115 with isoleucine.
Molecular consequence: missense variant.
Genome position (GRCh38, 1-based): chr1:97,721,648, C>G on the plus strand (G>C on the coding strand, the complement: DPYD is on the minus strand). VCF-style: chr1-97721648-C-G. GRCh37 (hg19) VCF-style: chr1-98187204-C-G.
Other names: c.345G>C, p.Met115Ile (NM_001160301.1); short protein forms M115I.
Identifiers: ClinVar variation 452082 (VCV000452082.8), dbSNP rs377169736, ClinGen allele CA963711.
Genomic context (GRCh38, chr1:97,721,648, plus strand): 5'-AAGATCAGAGGTTGGACATACCATTCCACAAGTCAGACCAAGTGGGTTGTCAGAAAATAT[C>G]ATCTTAGCAGCTCCATAATAGTTCTGCAAAATTAATACAAAATAAAATTTTACTACTTAA-3'
Protein context (NP_000101.2, residues 105-125): ANKNYYGAAK[Met115Ile]IFSDNPLGLT